The following is an entry in ClinVar:

ClinVar aggregate classification (germline): Uncertain significance (1 of 4 stars; one submission).

Allele frequency attached by ClinVar (database versions not stated): ExAC 0.00005.
gnomAD v4.1: 9 of 1,612,486 alleles (0.00056%); highest among the groups gnomAD compares: East Asian, 0.0022%; no homozygotes.

Submission:

Labcorp Genetics (formerly Invitae), Labcorp
Classification: Uncertain significance. Last evaluated: 2024-03-27. Review status: criteria provided, single submitter. Criteria: Invitae Variant Classification Sherloc (09022015). Collection method: clinical testing. Allele origin: germline.
Comment: This sequence change replaces alanine, which is neutral and non-polar, with threonine, which is neutral and polar, at codon 104 of the SEPT9 protein (p.Ala104Thr). This variant is present in population databases (rs776112941, gnomAD 0.007%). This variant has not been reported in the literature in individuals affected with SEPT9-related conditions. ClinVar contains an entry for this variant (Variation ID: 1682594). Advanced modeling of protein sequence and biophysical properties (such as structural, functional, and spatial information, amino acid conservation, physicochemical variation, residue mobility, and thermodynamic stability) performed at Invitae indicates that this missense variant is not expected to disrupt SEPT9 protein function with a negative predictive value of 80%. In summary, the available evidence is currently insufficient to determine the role of this variant in disease. Therefore, it has been classified as a Variant of Uncertain Significance.

NM_001113491.2(SEPTIN9):c.364G>A (p.Ala122Thr)

Gene: SEPTIN9 (septin 9; plus strand). Cytogenetic location: 17q25.3.
Variant type: single nucleotide variant.
Coding change: c.364G>A on transcript NM_001113491.2 (MANE Select); coding-DNA position 364, G replaced by A.
Protein change: p.Ala122Thr; replaces alanine 122 with threonine.
Molecular consequence: missense variant. On other transcripts: 5 prime UTR variant (2).
Genome position (GRCh38, 1-based): chr17:77,402,346, G>A. VCF-style: chr17-77402346-G-A. GRCh37 (hg19) VCF-style: chr17-75398428-G-A.
Other names: c.-129G>A (NM_001113492.2, NM_001113494.1); c.343G>A, p.Ala115Thr (NM_001113493.2); c.307G>A, p.Ala103Thr (NM_001293695.2); c.310G>A, p.Ala104Thr (NM_006640.5); short protein forms A103T, A104T, A115T, A122T.
Identifiers: ClinVar variation 1682594 (VCV001682594.7), dbSNP rs776112941, ClinGen allele CA8793182.
Genomic context (GRCh38, chr17:77,402,346, plus strand): 5'-GAGCCGGTGTCCCGGCGCACTGAGCTGTCCATTGACATCTCGTCCAAGCAGGTGGAGAAC[G>A]CCGGGGCCATCGGCCCGTCCCGGTTCGGGCTCAAGAGGGCCGAGGTGTTGGGCCACAAGA-3'
Protein context (NP_001106963.1, residues 112-132): IDISSKQVEN[Ala122Thr]GAIGPSRFGL